The following is an entry in ClinVar:

ClinVar aggregate classification (germline): Likely benign. Review status: criteria provided, multiple submitters, no conflicts (2 of 4 stars). 2 submissions from 2 submitters: Likely benign (2). Last evaluated 2025-10-02.

Conditions:
LEPR-related disorder. Also called: LEPR-related condition; LEPR-related disorders.

Submissions (2):

Labcorp Genetics (formerly Invitae), Labcorp
Classification: Likely benign. Last evaluated: 2025-10-02. Review status: criteria provided, single submitter. Criteria: Invitae Variant Classification Sherloc (09022015). Collection method: clinical testing. Allele origin: germline.

PreventionGenetics, part of Exact Sciences
Classification: Likely benign for LEPR-related condition. Last evaluated: 2025-08-04. Review status: criteria provided, single submitter. Criteria: ACMG Guidelines, 2015. Collection method: clinical testing. Allele origin: germline.
Comment: This variant is classified as likely benign based on ACMG/AMP sequence variant interpretation guidelines (Richards et al. 2015 PMID: 25741868, with internal and published modifications).

NM_002303.6(LEPR):c.3441T>G (p.Thr1147=)

Gene: LEPR (leptin receptor; plus strand). Cytogenetic location: 1p31.3.
Variant type: single nucleotide variant.
Coding change: c.3441T>G on transcript NM_002303.6 (MANE Select); coding-DNA position 3441, T replaced by G.
Protein change: p.Thr1147=; no amino-acid change (threonine 1147 retained).
Molecular consequence: synonymous variant.
Genome position (GRCh38, 1-based): chr1:65,636,958, T>G. VCF-style: chr1-65636958-T-G. GRCh37 (hg19) VCF-style: chr1-66102641-T-G.
Identifiers: ClinVar variation 2804084 (VCV002804084.4), dbSNP rs2526961051, ClinGen allele CA418228568.
Genomic context (GRCh38, chr1:65,636,958, plus strand): 5'-TATCAACTTAGGAACTTCTAGTAAGAAGACTTTTGCATCTTACATGCCTCAATTCCAAAC[T>G]TGTTCTACTCAGACTCATAAGATCATGGAAAACAAGATGTGTGACCTAACTGTGTAATTT-3'
Protein context (NP_002294.2, residues 1137-1157): TFASYMPQFQ[Thr1147=]CSTQTHKIME